The following is an entry in ClinVar:

ClinVar aggregate classification (germline): Conflicting classifications of pathogenicity. Review status: criteria provided, conflicting classifications (1 of 4 stars). 4 submissions from 4 submitters: Uncertain significance (2); Likely benign (2). Last evaluated 2025-11-18.

Conditions:
RASA2-related disorder. Also called: RASA2-related condition.

gnomAD v4.1: 158 of 1,612,990 alleles (0.0098%); highest among the groups gnomAD compares: Non-Finnish European, 0.013%; no homozygotes.

Submissions (4):

Labcorp Genetics (formerly Invitae), Labcorp
Classification: Uncertain significance. Last evaluated: 2025-11-18. Review status: criteria provided, single submitter. Criteria: Invitae Variant Classification Sherloc (09022015). Collection method: clinical testing. Allele origin: germline.
Comment: This sequence change replaces asparagine, which is neutral and polar, with lysine, which is basic and polar, at codon 277 of the RASA2 protein (p.Asn277Lys). This variant is present in population databases (rs548063424, gnomAD 0.01%). This variant has not been reported in the literature in individuals affected with RASA2-related conditions. ClinVar contains an entry for this variant (Variation ID: 1762898). An algorithm developed to predict the effect of missense changes on protein structure and function outputs the following: PolyPhen-2: "Benign". The lysine amino acid residue is found in multiple mammalian species, which suggests that this missense change does not adversely affect protein function. In summary, the available evidence is currently insufficient to determine the role of this variant in disease. Therefore, it has been classified as a Variant of Uncertain Significance.

Ambry Genetics
Classification: Likely benign. Last evaluated: 2024-05-29. Review status: criteria provided, single submitter. Criteria: Ambry Variant Classification Scheme 2023. Collection method: clinical testing. Allele origin: germline.

Blueprint Genetics
Classification: Likely benign. Last evaluated: 2023-05-22. Review status: criteria provided, single submitter. Criteria: ACMG Guidelines, 2015. Collection method: clinical testing. Allele origin: germline.

PreventionGenetics, part of Exact Sciences
Classification: Uncertain significance for RASA2-related condition. Last evaluated: 2023-04-05. Review status: criteria provided, single submitter. Criteria: ACMG Guidelines, 2015. Collection method: clinical testing. Allele origin: germline.
Comment: The RASA2 c.831C>G variant is predicted to result in the amino acid substitution p.Asn277Lys. To our knowledge, this variant has not been reported in the literature. This variant is reported in 0.010% of alleles in individuals of European (Non-Finnish) descent in gnomAD. Although we suspect that this variant may be benign, at this time, the clinical significance of this variant is uncertain due to the absence of conclusive functional and genetic evidence.

NM_006506.5(RASA2):c.831C>G (p.Asn277Lys)

Gene: RASA2 (RAS p21 protein activator 2; plus strand). Cytogenetic location: 3q23.
Variant type: single nucleotide variant.
Coding change: c.831C>G on transcript NM_006506.5 (MANE Select); coding-DNA position 831, C replaced by G.
Protein change: p.Asn277Lys; replaces asparagine 277 with lysine.
Molecular consequence: missense variant.
Genome position (GRCh38, 1-based): chr3:141,559,963, C>G. VCF-style: chr3-141559963-C-G. GRCh37 (hg19) VCF-style: chr3-141278805-C-G.
Other names: c.831C>G (NM_001303246.1); c.831C>G, p.Asn277Lys (NM_001303245.3, NM_001303246.3); short protein forms N277K.
Identifiers: ClinVar variation 1762898 (VCV001762898.10), dbSNP rs548063424, ClinGen allele CA2645329.